The following is an entry in ClinVar:

NM_001267550.2(TTN):c.64997C>T (p.Ala21666Val)

Genes: TTN (titin; minus strand), TTN-AS1 (TTN antisense RNA 1; plus strand). Cytogenetic location: 2q31.2.
Variant type: single nucleotide variant.
Coding change: c.64997C>T on transcript NM_001267550.2 (MANE Select); coding-DNA position 64997, C replaced by T.
Protein change: p.Ala21666Val; replaces alanine 21666 with valine.
Molecular consequence: missense variant.
Genome position (GRCh38, 1-based): chr2:178,584,554, G>A on the plus strand (C>T on the coding strand, the complement: TTN is on the minus strand). VCF-style: chr2-178584554-G-A. GRCh37 (hg19) VCF-style: chr2-179449281-G-A.
Other names: c.60074C>T, p.Ala20025Val (NM_001256850.1); c.37802C>T, p.Ala12601Val (NM_003319.4); c.57293C>T, p.Ala19098Val (NM_133378.4); c.38177C>T, p.Ala12726Val (NM_133432.3); c.38378C>T, p.Ala12793Val (NM_133437.4); short protein forms A12601V, A12726V, A12793V, A19098V, A20025V, A21666V.
Identifiers: ClinVar variation 2437407 (VCV002437407.4), dbSNP rs1396380194, ClinGen allele CA349435843.
Genomic context (GRCh38, chr2:178,584,554, plus strand): 5'-TCACTATCTGGTCTGTCCCAAGCAACAAAAATACAGTCCTTGTTGACTTTGGTGACTCGT[G>A]CATTCTTTGGTTCACTAGGAACACCTGGAGATGAAGACAAGGAAGATGTCAGTTTCTACA-3'
Protein context (NP_001254479.2, residues 21656-21676): PFGVPSEPKN[Ala21666Val]RVTKVNKDCI

ClinVar aggregate classification (germline): Uncertain significance. Review status: criteria provided, multiple submitters, no conflicts (2 of 4 stars). 2 submissions from 2 submitters: Uncertain significance (2). Last evaluated 2026-06-22.

Conditions:
TTN-related disorder. Also called: TTN-related condition; TTN-related disease; TTN-related disorders.

Allele frequency attached by ClinVar (database versions not stated): gnomAD exomes below 0.00001; gnomAD 0.00001; TOPMed 0.00002.
gnomAD v4.1: 7 of 1,612,326 alleles (0.00043%); highest among the groups gnomAD compares: African/African-American, 0.0067%; no homozygotes.

Submissions (2):

PreventionGenetics, part of Exact Sciences
Classification: Uncertain significance for TTN-related condition. Last evaluated: 2026-06-22. Review status: criteria provided, single submitter. Criteria: ACMG Guidelines, 2015. Collection method: clinical testing. Allele origin: germline.
Comment: The TTN c.64997C>T variant is predicted to result in the amino acid substitution p.Ala21666Val. To our knowledge, this variant has not been reported in the literature. This variant is reported in 0.0029% of alleles in individuals of Latino descent in gnomAD. At this time, the clinical significance of this variant is uncertain due to the absence of conclusive functional and genetic evidence.

Revvity Omics, Revvity
Classification: Uncertain significance. Last evaluated: 2019-04-26. Review status: criteria provided, single submitter. Criteria: ACMG Guidelines, 2015. Collection method: clinical testing. Allele origin: germline.